The following is an entry in ClinVar:

ClinVar aggregate classification (germline): Conflicting classifications of pathogenicity. Review status: criteria provided, conflicting classifications (1 of 4 stars). 8 submissions from 8 submitters: Uncertain significance (7); Likely benign (1). Last evaluated 2026-04-07.

Conditions:
SACS-related disorder. Also called: SACS-related condition.
Spastic paraplegia. Identifiers: MedGen C0037772, HP:0001258.
Charlevoix-Saguenay spastic ataxia (SACS). Also called: AUTOSOMAL RECESSIVE SPASTIC ATAXIA OF CHARLEVOIX-SAGUENAY; SPASTIC ATAXIA 6, AUTOSOMAL RECESSIVE; Spastic ataxia of Charlevoix-Saguenay. Identifiers: Orphanet 98, MedGen C1849140, MONDO:0010041, OMIM 270550.
Inborn genetic diseases. Identifiers: MedGen C0950123, MeSH D030342.

Allele frequency attached by ClinVar (database versions not stated): TOPMed 0.00006.
gnomAD v4.1: 82 of 1,613,942 alleles (0.0051%); highest among the groups gnomAD compares: Middle Eastern, 0.18%; 1 homozygote.

Submissions (8):

PreventionGenetics, part of Exact Sciences
Classification: Uncertain significance for SACS-related condition. Last evaluated: 2026-04-07. Review status: criteria provided, single submitter. Criteria: ACMG Guidelines, 2015. Collection method: clinical testing. Allele origin: germline.
Comment: The SACS c.5711C>G variant is predicted to result in the amino acid substitution p.Thr1904Arg. This variant has been reported as a variant of uncertain significance in an individual with suspected Charlevoix-Saguenay spastic ataxia (Chamova et al. 2024. PubMed ID: 39044368). This variant is reported in 0.011% of alleles in individuals of Latino descent in gnomAD. At this time, the clinical significance of this variant is uncertain due to the absence of conclusive functional and genetic evidence.

Labcorp Genetics (formerly Invitae), Labcorp
Classification: Likely benign for Spastic paraplegia. Last evaluated: 2026-01-20. Review status: criteria provided, single submitter. Criteria: Invitae Variant Classification Sherloc (09022015). Collection method: clinical testing. Allele origin: germline.

Blueprint Genetics
Classification: Uncertain significance. Last evaluated: 2024-10-16. Review status: criteria provided, single submitter. Criteria: ACMG Guidelines, 2015. Collection method: clinical testing. Allele origin: germline.

Genomic Medicine Center of Excellence, King Faisal Specialist Hospital and Research Centre
Classification: Uncertain significance for Charlevoix-Saguenay spastic ataxia. Last evaluated: 2024-09-22. Review status: criteria provided, single submitter. Criteria: ACMG Guidelines, 2015. Collection method: clinical testing. Allele origin: germline.

Ambry Genetics
Classification: Uncertain significance for Inborn genetic diseases. Last evaluated: 2021-10-26. Review status: criteria provided, single submitter. Criteria: Ambry Variant Classification Scheme 2023. Collection method: clinical testing. Allele origin: germline.

Genome-Nilou Lab
Classification: Uncertain significance for Charlevoix-Saguenay spastic ataxia. Last evaluated: 2021-07-22. Review status: criteria provided, single submitter. Criteria: ACMG Guidelines, 2015. Collection method: clinical testing. Allele origin: germline. Affected: no.

Athena Diagnostics
Classification: Uncertain significance. Last evaluated: 2021-05-14. Review status: criteria provided, single submitter. Criteria: Athena Diagnostics criteria. Collection method: clinical testing. Allele origin: unknown.

CeGaT Center for Human Genetics Tuebingen
Classification: Uncertain significance. Last evaluated: 2017-08-01. Review status: criteria provided, single submitter. Criteria: CeGaT Center For Human Genetics Tuebingen Variant Classification Criteria Version 2. Collection method: clinical testing. Allele origin: germline. Affected: yes. Observed: 1 variant allele.

NM_014363.6(SACS):c.5711C>G (p.Thr1904Arg)

Gene: SACS (sacsin molecular chaperone; minus strand). Cytogenetic location: 13q12.12.
Variant type: single nucleotide variant.
Coding change: c.5711C>G on transcript NM_014363.6 (MANE Select); coding-DNA position 5711, C replaced by G.
Protein change: p.Thr1904Arg; replaces threonine 1904 with arginine.
Molecular consequence: missense variant.
Genome position (GRCh38, 1-based): chr13:23,338,165, G>C on the plus strand (C>G on the coding strand, the complement: SACS is on the minus strand). VCF-style: chr13-23338165-G-C. GRCh37 (hg19) VCF-style: chr13-23912304-G-C.
Other names: c.5711C>G (NM_014363.4, NM_014363.5); c.5270C>G, p.Thr1757Arg (NM_001278055.2); short protein forms T1757R, T1904R.
Identifiers: ClinVar variation 806988 (VCV000806988.57), dbSNP rs758570844, ClinGen allele CA6911207.